The following is an entry in ClinVar:

NM_020297.4(ABCC9):c.2903C>T (p.Ser968Phe)

Gene: ABCC9 (ATP binding cassette subfamily C member 9; minus strand). Cytogenetic location: 12p12.1.
Variant type: single nucleotide variant.
Coding change: c.2903C>T on transcript NM_020297.4 (MANE Select); coding-DNA position 2903, C replaced by T.
Protein change: p.Ser968Phe; replaces serine 968 with phenylalanine.
Molecular consequence: missense variant.
Genome position (GRCh38, 1-based): chr12:21,845,796, G>A on the plus strand (C>T on the coding strand, the complement: ABCC9 is on the minus strand). VCF-style: chr12-21845796-G-A. GRCh37 (hg19) VCF-style: chr12-21998730-G-A.
Other names: c.2903C>T (NM_005691.2); c.2903C>T, p.Ser968Phe (NM_001377273.1, NM_005691.4); c.2036C>T, p.Ser679Phe (NM_001377274.1); short protein forms S968F, S679F.
Identifiers: ClinVar variation 1460709 (VCV001460709.7), dbSNP rs1283425674, ClinGen allele CA384120528.

ClinVar aggregate classification (germline): Uncertain significance. Review status: criteria provided, multiple submitters, no conflicts (2 of 4 stars). 2 submissions from 2 submitters: Uncertain significance (2). Last evaluated 2025-10-08.

Conditions:
Dilated cardiomyopathy 1O (CMD1O). Also called: CARDIOMYOPATHY, DILATED, WITH VENTRICULAR TACHYCARDIA. Identifiers: Orphanet 154, MedGen C1837839, MONDO:0012062, OMIM 608569.
Cardiovascular phenotype. Identifiers: MedGen CN230736.

Allele frequency attached by ClinVar (database versions not stated): gnomAD 0.00001; TOPMed 0.00001.
gnomAD v4.1: 1 of 1,613,596 alleles (0.000062%); highest among the groups gnomAD compares: African/African-American, 0.0013%; no homozygotes.

Submissions (2):

Ambry Genetics
Classification: Uncertain significance for Cardiovascular phenotype. Last evaluated: 2025-10-08. Review status: criteria provided, single submitter. Criteria: Ambry Variant Classification Scheme 2023. Collection method: clinical testing. Allele origin: germline.
Comment: The p.S968F variant (also known as c.2903C>T), located in coding exon 24 of the ABCC9 gene, results from a C to T substitution at nucleotide position 2903. The serine at codon 968 is replaced by phenylalanine, an amino acid with highly dissimilar properties. This amino acid position is highly conserved in available vertebrate species. In addition, this alteration is predicted to be deleterious by in silico analysis. Based on the available evidence, the clinical significance of this variant remains unclear.

Labcorp Genetics (formerly Invitae), Labcorp
Classification: Uncertain significance for Dilated cardiomyopathy 1O. Last evaluated: 2025-09-16. Review status: criteria provided, single submitter. Criteria: Invitae Variant Classification Sherloc (09022015). Collection method: clinical testing. Allele origin: germline.
Comment: This sequence change replaces serine, which is neutral and polar, with phenylalanine, which is neutral and non-polar, at codon 968 of the ABCC9 protein (p.Ser968Phe). This variant is present in population databases (no rsID available, gnomAD 0.01%). This missense change has been observed in individual(s) with dilated cardiomyopathy (internal data). ClinVar contains an entry for this variant (Variation ID: 1460709). Invitae Evidence Modeling of protein sequence and biophysical properties (such as structural, functional, and spatial information, amino acid conservation, physicochemical variation, residue mobility, and thermodynamic stability) indicates that this missense variant is expected to disrupt ABCC9 protein function with a positive predictive value of 95%. In summary, the available evidence is currently insufficient to determine the role of this variant in disease. Therefore, it has been classified as a Variant of Uncertain Significance.